The following is an entry in ClinVar:

ClinVar aggregate classification (germline): Uncertain significance. Review status: criteria provided, multiple submitters, no conflicts (2 of 4 stars). 3 submissions from 3 submitters: Uncertain significance (3). Last evaluated 2024-07-31.

Conditions:
Hypotonia, infantile, with psychomotor retardation and characteristic facies 2 (IHPRF2). Also called: UNC80 Deficiency. Identifiers: Orphanet 371364, Orphanet 700333, MedGen C4225203, MONDO:0014777, OMIM 616801.

Allele frequency attached by ClinVar (database versions not stated): TOPMed 0.00002; gnomAD 0.00001 and 0.00002; gnomAD exomes 0.00001.
gnomAD v4.1: 17 of 1,550,974 alleles (0.0011%); highest among the groups gnomAD compares: East Asian, 0.0098%; no homozygotes.

Submissions (3):

GeneDx
Classification: Uncertain significance. Last evaluated: 2024-07-31. Review status: criteria provided, single submitter. Criteria: GeneDx Variant Classification Process June 2021. Collection method: clinical testing. Allele origin: germline. Affected: yes.
Comment: Not observed at significant frequency in large population cohorts (gnomAD); In silico analysis indicates that this missense variant does not alter protein structure/function; Has not been previously published as pathogenic or benign to our knowledge

Labcorp Genetics (formerly Invitae), Labcorp
Classification: Uncertain significance. Last evaluated: 2021-08-30. Review status: criteria provided, single submitter. Criteria: Invitae Variant Classification Sherloc (09022015). Collection method: clinical testing. Allele origin: germline.

Illumina Laboratory Services, Illumina
Classification: Uncertain significance for Hypotonia, infantile, with psychomotor retardation and characteristic facies 2. Last evaluated: 2019-09-10. Review status: criteria provided, single submitter. Criteria: ICSLVariantClassificationCriteria RUGD 01 April 2020. Collection method: clinical testing. Allele origin: unknown.
Comment: The UNC80 c.7196C>T (p.Ala2399Val) variant is a missense variant. A literature search was performed for the gene, cDNA change, and amino acid change. No publications were found based on this search. This variant is reported at a frequency of 0.000092 in the East Asian population from the Genome Aggregation Database though this is based on one allele in a region of good sequencing coverage so the variant is presumed to be rare. Based on the limited evidence, the p.Ala2399Val variant is classified as a variant of unknown significance for UNC80 deficiency.

NM_001371986.1(UNC80):c.7394C>T (p.Ala2465Val)

Gene: UNC80 (unc-80 subunit of NALCN channel complex; plus strand). Cytogenetic location: 2q34.
Variant type: single nucleotide variant.
Coding change: c.7394C>T on transcript NM_001371986.1 (MANE Select); coding-DNA position 7394, C replaced by T.
Protein change: p.Ala2465Val; replaces alanine 2465 with valine.
Molecular consequence: missense variant.
Genome position (GRCh38, 1-based): chr2:209,954,207, C>T. VCF-style: chr2-209954207-C-T. GRCh37 (hg19) VCF-style: chr2-210818931-C-T.
Other names: c.7196C>T, p.Ala2399Val (NM_032504.2); c.7181C>T, p.Ala2394Val (NM_182587.4); short protein forms A2399V, A2465V, A2394V.
Identifiers: ClinVar variation 973277 (VCV000973277.8), dbSNP rs866318243, ClinGen allele CA65043898.
Genomic context (GRCh38, chr2:209,954,207, plus strand): 5'-AAAAGCTAAAGAGGCAGACATCACAGGTGGAGACAGTACCTGCTGCCCGAGAGGAGATTG[C>T]GGCCACTGCTGCTCTTGCGACGTCCCTACAGGCCCTTTTGTACAGTGTAGAGGTCCTCAC-3'
Protein context (NP_001358915.1, residues 2455-2475): ETVPAAREEI[Ala2465Val]ATAALATSLQ